The following is an entry in ClinVar:

NM_005559.4(LAMA1):c.5797-9G>A

Gene: LAMA1 (laminin subunit alpha 1; minus strand). Cytogenetic location: 18p11.31.
Variant type: single nucleotide variant.
Coding change: c.5797-9G>A on transcript NM_005559.4 (MANE Select); 9 bases into the intron before coding-DNA position 5797, G replaced by A.
Molecular consequence: intron variant.
Genome position (GRCh38, 1-based): chr18:6,982,599, C>T on the plus strand (G>A on the coding strand, the complement: LAMA1 is on the minus strand). VCF-style: chr18-6982599-C-T. GRCh37 (hg19) VCF-style: chr18-6982598-C-T.
Identifiers: ClinVar variation 509716 (VCV000509716.4), dbSNP rs770273271, ClinGen allele CA8881468.
Genomic context (GRCh38, chr18:6,982,599, plus strand): 5'-TGGAGCTGCGCTGCACGGCCGCTTTCCCGTTAGAAACAAGGGATTCTGAGAGCTGGAAAA[C>T]AGAACCACTTAAGCGTGGTGAGAGCAGGGCAGGGTGGAGTCCTGCTGGGGACAGAGGAAG-3'

ClinVar aggregate classification (germline): Likely benign. Review status: criteria provided, multiple submitters, no conflicts (2 of 4 stars). 2 submissions from 2 submitters: Likely benign (2). Last evaluated 2023-12-28.

Allele frequency attached by ClinVar (database versions not stated): ExAC 0.00001; gnomAD 0.00001 and 0.00002; gnomAD exomes 0.00001; TOPMed 0.00003.
gnomAD v4.1: 14 of 1,613,056 alleles (0.00087%); highest among the groups gnomAD compares: African/African-American, 0.004%; no homozygotes.

Submissions (2):

Labcorp Genetics (formerly Invitae), Labcorp
Classification: Likely benign. Last evaluated: 2023-12-28. Review status: criteria provided, single submitter. Criteria: Invitae Variant Classification Sherloc (09022015). Collection method: clinical testing. Allele origin: germline.

GeneDx
Classification: Likely benign. Last evaluated: 2017-05-25. Review status: criteria provided, single submitter. Criteria: GeneDx Variant Classification (06012015). Collection method: clinical testing. Allele origin: germline. Affected: yes.
Comment: This variant is considered likely benign or benign based on one or more of the following criteria: it is a conservative change, it occurs at a poorly conserved position in the protein, it is predicted to be benign by multiple in silico algorithms, and/or has population frequency not consistent with disease.